The following is an entry in ClinVar:

NM_001106.4(ACVR2B):c.548C>G (p.Pro183Arg)

Gene: ACVR2B (activin A receptor type 2B; plus strand). Cytogenetic location: 3p22.2.
Variant type: single nucleotide variant.
Coding change: c.548C>G on transcript NM_001106.4 (MANE Select); coding-DNA position 548, C replaced by G.
Protein change: p.Pro183Arg; replaces proline 183 with arginine.
Molecular consequence: missense variant.
Genome position (GRCh38, 1-based): chr3:38,478,400, C>G. VCF-style: chr3-38478400-C-G. GRCh37 (hg19) VCF-style: chr3-38519891-C-G.
Other names: short protein forms P183R.
Identifiers: ClinVar variation 4085238 (VCV004085238.8).

ClinVar aggregate classification (germline): Uncertain significance (1 of 4 stars; one submission).

Submission:

CeGaT Center for Human Genetics Tuebingen
Classification: Uncertain significance. Last evaluated: 2025-06-01. Review status: criteria provided, single submitter. Criteria: CeGaT Center For Human Genetics Tuebingen Variant Classification Criteria Version 2. Collection method: clinical testing. Allele origin: germline. Affected: yes. Observed: 1 variant allele.
Comment: ACVR2B: PM2, PP3